The following is an entry in ClinVar:

NM_001267550.2(TTN):c.58095dup (p.Gly19366fs)

Genes: TTN (titin; minus strand), TTN-AS1 (TTN antisense RNA 1; plus strand). Cytogenetic location: 2q31.2.
Variant type: Duplication.
Coding change: c.58095dup on transcript NM_001267550.2 (MANE Select); coding-DNA position 58095, one base duplicated (T; older notation c.58095dupT).
Protein change: p.Gly19366fs; shifts the reading frame from glycine 19366.
Molecular consequence: frameshift variant.
Genome position (GRCh38, 1-based): chr2:178,594,399, A duplicated on the plus strand (T on the coding strand, the reverse complement: TTN is on the minus strand); the first of 2 consecutive A bases (chr2:178,594,399-178,594,400); duplicating either gives the same sequence. VCF-style (leftmost placement, unchanged base first): chr2-178594398-C-CA. GRCh37 (hg19) VCF-style: chr2-179459125-C-CA.
Other names: c.53172dup, p.Gly17725fs (NM_001256850.1); c.30900dup, p.Gly10301fs (NM_003319.4); c.50391dup, p.Gly16798fs (NM_133378.4); c.31275dup, p.Gly10426fs (NM_133432.3); c.31476dup, p.Gly10493fs (NM_133437.4); short protein forms G10493fs, G19366fs, G10301fs, G10426fs, G16798fs, G17725fs.
Identifiers: ClinVar variation 2014832 (VCV002014832.4), dbSNP rs2469629714, ClinGen allele CA2580064721.

ClinVar aggregate classification (germline): Likely pathogenic (1 of 4 stars; one submission).

Conditions:
Autosomal recessive limb-girdle muscular dystrophy type 2J (LGMDR10). Also called: Limb-girdle muscular dystrophy, type 2J; MUSCULAR DYSTROPHY, LIMB-GIRDLE, AUTOSOMAL RECESSIVE 10. Identifiers: Orphanet 140922, MedGen C1837342, MONDO:0012127, OMIM 608807.
Dilated cardiomyopathy 1G (CMD1G). Identifiers: Orphanet 154, MedGen C1858763, MONDO:0011400, OMIM 604145.

Submission:

Labcorp Genetics (formerly Invitae), Labcorp
Classification: Likely pathogenic for Dilated cardiomyopathy 1G; Autosomal recessive limb-girdle muscular dystrophy type 2J. Last evaluated: 2022-09-17. Review status: criteria provided, single submitter. Criteria: Invitae Variant Classification Sherloc (09022015). Collection method: clinical testing. Allele origin: germline.
Comment: This sequence change creates a premature translational stop signal (p.Gly19366Trpfs*17) in the TTN gene. While this is not anticipated to result in nonsense mediated decay, it is expected to create a truncated TTN protein. In summary, the currently available evidence indicates that the variant is pathogenic, but additional data are needed to prove that conclusively. Therefore, this variant has been classified as Likely Pathogenic. This variant is located in the A band of TTN (PMID: 25589632). Truncating variants in this region are significantly overrepresented in patients affected with dilated cardiomyopathy (PMID: 25589632). Truncating variants in this region have also been reported in individuals affected with autosomal recessive centronuclear myopathy (PMID: 23975875). This variant has not been reported in the literature in individuals affected with TTN-related conditions. This variant is not present in population databases (gnomAD no frequency).

Literature cited by the submitters: PubMed 25589632; PubMed 23975875.